The following is an entry in ClinVar:

NM_173689.7(CRB2):c.1433A>C (p.Asn478Thr)

Gene: CRB2 (crumbs cell polarity complex component 2; plus strand). Cytogenetic location: 9q33.3.
Variant type: single nucleotide variant.
Coding change: c.1433A>C on transcript NM_173689.7 (MANE Select); coding-DNA position 1433, A replaced by C.
Protein change: p.Asn478Thr; replaces asparagine 478 with threonine.
Molecular consequence: missense variant. On other transcripts: non-coding transcript variant (1).
Genome position (GRCh38, 1-based): chr9:123,370,486, A>C. VCF-style: chr9-123370486-A-C. GRCh37 (hg19) VCF-style: chr9-126132765-A-C.
Other names: short protein forms N478T.
Identifiers: ClinVar variation 1351645 (VCV001351645.6), dbSNP rs575296054, ClinGen allele CA374862524.

ClinVar aggregate classification (germline): Uncertain significance (1 of 4 stars; one submission).

gnomAD v4.1: 7 of 1,613,478 alleles (0.00043%); highest among the groups gnomAD compares: East Asian, 0.0089%; no homozygotes.

Submission:

Labcorp Genetics (formerly Invitae), Labcorp
Classification: Uncertain significance. Last evaluated: 2021-12-06. Review status: criteria provided, single submitter. Criteria: Invitae Variant Classification Sherloc (09022015). Collection method: clinical testing. Allele origin: germline.
Comment: This sequence change replaces asparagine, which is neutral and polar, with threonine, which is neutral and polar, at codon 478 of the CRB2 protein (p.Asn478Thr). In summary, the available evidence is currently insufficient to determine the role of this variant in disease. Therefore, it has been classified as a Variant of Uncertain Significance. Advanced modeling of protein sequence and biophysical properties (such as structural, functional, and spatial information, amino acid conservation, physicochemical variation, residue mobility, and thermodynamic stability) performed at Invitae indicates that this missense variant is not expected to disrupt CRB2 protein function. This variant has not been reported in the literature in individuals affected with CRB2-related conditions. This variant is present in population databases (no rsID available, gnomAD 0.02%).